The following is an entry in ClinVar:

NM_004655.4(AXIN2):c.2206C>A (p.Pro736Thr)

Gene: AXIN2 (axin 2; minus strand). Cytogenetic location: 17q24.1.
Variant type: single nucleotide variant.
Coding change: c.2206C>A on transcript NM_004655.4 (MANE Select); coding-DNA position 2206, C replaced by A.
Protein change: p.Pro736Thr; replaces proline 736 with threonine.
Molecular consequence: missense variant.
Genome position (GRCh38, 1-based): chr17:65,535,657, G>T on the plus strand (C>A on the coding strand, the complement: AXIN2 is on the minus strand). VCF-style: chr17-65535657-G-T. GRCh37 (hg19) VCF-style: chr17-63531775-G-T.
Other names: c.2206C>A (LRG_296t1); c.2011C>A, p.Pro671Thr (NM_001363813.1); short protein forms P736T, P671T.
Identifiers: ClinVar variation 533193 (VCV000533193.22), dbSNP rs951676348, ClinGen allele CA293097594.

ClinVar aggregate classification (germline): Uncertain significance. Review status: criteria provided, multiple submitters, no conflicts (2 of 4 stars). 5 submissions from 5 submitters: Uncertain significance (5). Last evaluated 2026-01-16.

Conditions:
Colorectal cancer. Also called: Colorectal cancer, somatic; Malignant Colorectal Neoplasm. Identifiers: MedGen C0346629, MONDO:0005575, OMIM 114500.
Hereditary cancer-predisposing syndrome. Also called: Hereditary neoplastic syndrome; Neoplastic Syndromes, Hereditary; Tumor predisposition; Hereditary Cancer Syndrome. Identifiers: Orphanet 140162, MedGen C0027672, MeSH D009386, MONDO:0015356.
Oligodontia-cancer predisposition syndrome. Also called: TOOTH AGENESIS-COLORECTAL CANCER SYNDROME. Identifiers: Orphanet 300576, MedGen C1837750, MONDO:0012075, OMIM 608615. Disease mechanism: loss of function.

Submissions (5):

Labcorp Genetics (formerly Invitae), Labcorp
Classification: Uncertain significance for Oligodontia-cancer predisposition syndrome. Last evaluated: 2026-01-16. Review status: criteria provided, single submitter. Criteria: Invitae Variant Classification Sherloc (09022015). Collection method: clinical testing. Allele origin: germline.
Comment: This sequence change replaces proline, which is neutral and non-polar, with threonine, which is neutral and polar, at codon 736 of the AXIN2 protein (p.Pro736Thr). This variant is present in population databases (no rsID available, gnomAD 0.003%). This variant has not been reported in the literature in individuals affected with AXIN2-related conditions. ClinVar contains an entry for this variant (Variation ID: 533193). An algorithm developed to predict the effect of missense changes on protein structure and function (PolyPhen-2) suggests that this variant is likely to be tolerated. In summary, the available evidence is currently insufficient to determine the role of this variant in disease. Therefore, it has been classified as a Variant of Uncertain Significance.

Ambry Genetics
Classification: Uncertain significance for Hereditary cancer-predisposing syndrome. Last evaluated: 2025-11-26. Review status: criteria provided, single submitter. Criteria: Ambry Variant Classification Scheme 2023. Collection method: clinical testing. Allele origin: germline.

Center for Genomic Medicine, Rigshospitalet, Copenhagen University Hospital
Classification: Uncertain significance. Last evaluated: 2025-03-04. Review status: criteria provided, single submitter. Criteria: ACMG Guidelines, 2015. Collection method: clinical testing. Allele origin: germline.

GeneDx
Classification: Uncertain significance. Last evaluated: 2023-08-08. Review status: criteria provided, single submitter. Criteria: GeneDx Variant Classification Process June 2021. Collection method: clinical testing. Allele origin: germline. Affected: yes.
Comment: Not observed at significant frequency in large population cohorts (gnomAD); In silico analysis supports that this missense variant does not alter protein structure/function; Has not been previously published as pathogenic or benign to our knowledge

Baylor Genetics
Classification: Uncertain significance for Colorectal cancer. Last evaluated: 2023-08-01. Review status: criteria provided, single submitter. Criteria: ACMG Guidelines, 2015. Collection method: clinical testing. Allele origin: unknown.